The following is an entry in ClinVar:

NM_000553.6(WRN):c.38G>A (p.Arg13Gln)

Gene: WRN (WRN RecQ like helicase; plus strand). Cytogenetic location: 8p12.
Variant type: single nucleotide variant.
Coding change: c.38G>A on transcript NM_000553.6 (MANE Select); coding-DNA position 38, G replaced by A.
Protein change: p.Arg13Gln; replaces arginine 13 with glutamine.
Molecular consequence: missense variant.
Genome position (GRCh38, 1-based): chr8:31,058,485, G>A. VCF-style: chr8-31058485-G-A. GRCh37 (hg19) VCF-style: chr8-30916001-G-A.
Other names: short protein forms R13Q.
Identifiers: ClinVar variation 864248 (VCV000864248.7), dbSNP rs1006884728, ClinGen allele CA174838762.

ClinVar aggregate classification (germline): Uncertain significance. Review status: criteria provided, multiple submitters, no conflicts (2 of 4 stars). 2 submissions from 2 submitters: Uncertain significance (2). Last evaluated 2025-05-29.

Conditions:
Werner syndrome (WRN). Identifiers: Orphanet 902, MedGen C0043119, MONDO:0010196, OMIM 277700.
Inborn genetic diseases. Identifiers: MedGen C0950123, MeSH D030342.

Allele frequency attached by ClinVar (database versions not stated): gnomAD exomes below 0.00001 and 0.00001; TOPMed 0.00001.
gnomAD v4.1: 14 of 1,613,760 alleles (0.00087%); highest among the groups gnomAD compares: South Asian, 0.0022%; no homozygotes.

Submissions (2):

Ambry Genetics
Classification: Uncertain significance for Inborn genetic diseases. Last evaluated: 2025-05-29. Review status: criteria provided, single submitter. Criteria: Ambry Variant Classification Scheme 2023. Collection method: clinical testing. Allele origin: germline.

Labcorp Genetics (formerly Invitae), Labcorp
Classification: Uncertain significance for Werner syndrome. Last evaluated: 2024-03-01. Review status: criteria provided, single submitter. Criteria: Invitae Variant Classification Sherloc (09022015). Collection method: clinical testing. Allele origin: germline.
Comment: This sequence change replaces arginine, which is basic and polar, with glutamine, which is neutral and polar, at codon 13 of the WRN protein (p.Arg13Gln). This variant is present in population databases (no rsID available, gnomAD 0.0009%). This variant has not been reported in the literature in individuals affected with WRN-related conditions. ClinVar contains an entry for this variant (Variation ID: 864248). An algorithm developed to predict the effect of missense changes on protein structure and function (PolyPhen-2) suggests that this variant is likely to be disruptive. In summary, the available evidence is currently insufficient to determine the role of this variant in disease. Therefore, it has been classified as a Variant of Uncertain Significance.